The following is an entry in ClinVar:

NM_001267550.2(TTN):c.37876C>A (p.Pro12626Thr)

Gene: TTN (titin; minus strand). Cytogenetic location: 2q31.2.
Variant type: single nucleotide variant.
Coding change: c.37876C>A on transcript NM_001267550.2 (MANE Select); coding-DNA position 37876, C replaced by A.
Protein change: p.Pro12626Thr; replaces proline 12626 with threonine.
Molecular consequence: missense variant. On other transcripts: intron variant (5).
Genome position (GRCh38, 1-based): chr2:178,657,765, G>T on the plus strand (C>A on the coding strand, the complement: TTN is on the minus strand). VCF-style: chr2-178657765-G-T. GRCh37 (hg19) VCF-style: chr2-179522492-G-T.
Other names: c.13283-15448C>A (NM_003319.4); c.13859-15448C>A (NM_133437.4); c.13658-15448C>A (NM_133432.3); c.31741+1240C>A (NM_133378.4); c.34522+1240C>A (NM_001256850.1); short protein forms P12626T.
Identifiers: ClinVar variation 809017 (VCV000809017.45), dbSNP rs762460746, ClinGen allele CA1997225.

ClinVar aggregate classification (germline): Conflicting classifications of pathogenicity. Review status: criteria provided, conflicting classifications (1 of 4 stars). 4 submissions from 4 submitters: Uncertain significance (1); Likely benign (3). Last evaluated 2025-01-30.

Conditions:
Dilated cardiomyopathy 1G (CMD1G). Identifiers: Orphanet 154, MedGen C1858763, MONDO:0011400, OMIM 604145.
Myopathy, myofibrillar, 9, with early respiratory failure (MFM9). Also called: MYOPATHY, PROXIMAL, WITH EARLY RESPIRATORY MUSCLE INVOLVEMENT; Myopathy, distal, with early respiratory failure, autosomal dominant; Hereditary myopathy with early respiratory failure; EDSTROM MYOPATHY. Identifiers: Orphanet 178464, Orphanet 34521, MedGen C1863599, MONDO:0011362, OMIM 603689.
Early-onset myopathy with fatal cardiomyopathy (CMYO5). Also called: Salih Myopathy; CONGENITAL MYOPATHY 5 WITH CARDIOMYOPATHY. Identifiers: Orphanet 289377, MedGen C2673677, MONDO:0012714, OMIM 611705. Disease mechanism: loss of function.
Hypertrophic cardiomyopathy 9. Also called: Familial hypertrophic cardiomyopathy 9. Identifiers: MedGen C1861065, MONDO:0013412, OMIM 613765.
Autosomal recessive limb-girdle muscular dystrophy type 2J (LGMDR10). Also called: Limb-girdle muscular dystrophy, type 2J; MUSCULAR DYSTROPHY, LIMB-GIRDLE, AUTOSOMAL RECESSIVE 10. Identifiers: Orphanet 140922, MedGen C1837342, MONDO:0012127, OMIM 608807.
Tibial muscular dystrophy (TMD). Also called: Tibial muscular dystrophy, tardive; Udd Distal Myopathy – Tibial Muscular Dystrophy; UDD MYOPATHY. Identifiers: Orphanet 609, MedGen C1838244, MONDO:0010870, OMIM 600334.

Allele frequency attached by ClinVar (database versions not stated): gnomAD 0.00042; gnomAD exomes 0.00058; ExAC 0.00209.

Submissions (4):

Women's Health and Genetics/Laboratory Corporation of America, LabCorp
Classification: Likely benign. Last evaluated: 2025-01-30. Review status: criteria provided, single submitter. Criteria: LabCorp Variant Classification Summary - May 2015. Collection method: clinical testing. Allele origin: germline.
Comment: Variant summary: TTN c.31741+1240C>A is located at a position not widely known to affect splicing. This variant corresponds to c.37876C>A (p.Pro12626Thr) in NM_001267550. Several computational tools predict a significant impact on normal splicing: Two predict the variant has no significant impact on splicing. Two predict the variant creates a 5' donor site. However, these predictions have yet to be confirmed by functional studies. The variant allele was found at a frequency of 0.00058 in 18938 control chromosomes. The observed variant frequency is approximately 1.5-fold of the estimated maximal expected allele frequency for a pathogenic variant in TTN causing Dilated Cardiomyopathy phenotype (0.00039). To our knowledge, no occurrence of c.31741+1240C>A in individuals affected with Dilated Cardiomyopathy or other TTN-related disorders and no experimental evidence demonstrating its impact on protein function have been reported. ClinVar contains an entry for this variant (Variation ID: 809017). Based on the evidence outlined above, the variant was classified as likely benign.

Blueprint Genetics
Classification: Likely benign. Last evaluated: 2024-11-22. Review status: criteria provided, single submitter. Criteria: ACMG Guidelines, 2015. Collection method: clinical testing. Allele origin: germline.

CeGaT Center for Human Genetics Tuebingen
Classification: Likely benign. Last evaluated: 2023-11-01. Review status: criteria provided, single submitter. Criteria: CeGaT Center For Human Genetics Tuebingen Variant Classification Criteria Version 2. Collection method: clinical testing. Allele origin: germline. Affected: yes. Observed: 5 variant alleles.
Comment: TTN: BP4

Fulgent Genetics
Classification: Uncertain significance for Tibial muscular dystrophy; Myopathy, myofibrillar, 9, with early respiratory failure; Dilated cardiomyopathy 1G; Autosomal recessive limb-girdle muscular dystrophy type 2J; Early-onset myopathy with fatal cardiomyopathy; Hypertrophic cardiomyopathy 9. Last evaluated: 2021-10-14. Review status: criteria provided, single submitter. Criteria: ACMG Guidelines, 2015. Collection method: clinical testing. Allele origin: unknown.